The following is an entry in ClinVar:

NM_018006.5(TRMU):c.581del (p.Gly194fs)

Gene: TRMU (tRNA mitochondrial 2-thiouridylase; plus strand). Cytogenetic location: 22q13.31.
Variant type: Deletion.
Coding change: c.581del on transcript NM_018006.5 (MANE Select); coding-DNA position 581, one base deleted (G; older notation c.581delG).
Protein change: p.Gly194fs; shifts the reading frame from glycine 194.
Molecular consequence: frameshift variant. On other transcripts: non-coding transcript variant (2).
Genome position (GRCh38, 1-based): chr22:46,350,393, G deleted; the last of 6 consecutive G bases (chr22:46,350,388-46,350,393); deleting any one gives the same sequence. VCF-style (leftmost placement, unchanged base first): chr22-46350387-TG-T. GRCh37 (hg19) VCF-style: chr22-46746284-TG-T.
Other names: c.239del, p.Gly80fs (NM_001282782.2); c.161del, p.Gly54fs (NM_001282783.2, NM_001282784.2); c.581del, p.Gly194fs (NM_001282785.2); c.581delG (NM_018006.4); short protein forms G54fs, G80fs, G194fs.
Identifiers: ClinVar variation 862828 (VCV000862828.12), dbSNP rs763926467, ClinGen allele CA10292100.

ClinVar aggregate classification (germline): Pathogenic/Likely pathogenic. Review status: criteria provided, multiple submitters, no conflicts (2 of 4 stars). 5 submissions from 5 submitters: Pathogenic (2); Likely pathogenic (3). Last evaluated 2025-12-10.

Conditions:
TRMU-related disorder. Also called: TRMU-related condition.
Acute infantile liver failure due to synthesis defect of mtDNA-encoded proteins. Also called: LIVER FAILURE, INFANTILE, TRANSIENT; Liver failure acute infantile; TRMU Deficiency. Identifiers: Orphanet 217371, MedGen C3278664, MONDO:0013111, OMIM 613070.
Aminoglycoside-induced deafness. Also called: DEAFNESS, STREPTOMYCIN-INDUCED; STREPTOMYCIN OTOTOXICITY; MT-RNR1-Related Hearing Loss and Deafness. Identifiers: Orphanet 168609, MedGen C1838854, MONDO:0010799, OMIM 580000.

Submissions (5):

Natera, Inc.
Classification: Likely pathogenic for Acute infantile liver failure due to synthesis defect of mtDNA-encoded proteins. Last evaluated: 2025-12-10. Review status: criteria provided, single submitter. Criteria: Natera Variant Classification Schema (03/2026). Collection method: clinical testing. Allele origin: germline.
Comment: The c.581delG variant in TRMU is a frameshift variant predicted to shift the reading frame beginning at codon 194 and leads to a stop codon 2 codons downstream. This variant is expected to result in nonsense mediated decay, truncation, or a dysfunctional protein product. This variant is rare in the general population with a frequency below the threshold expected for the associated phenotype(s). Given the available evidence, this variant is classified as Likely Pathogenic.

PreventionGenetics, part of Exact Sciences
Classification: Pathogenic for TRMU-related condition. Last evaluated: 2025-07-29. Review status: criteria provided, single submitter. Criteria: ACMG Guidelines, 2015. Collection method: clinical testing. Allele origin: germline.
Comment: The TRMU c.581delG variant is predicted to result in a frameshift and premature protein termination (p.Gly194Aspfs*2). This variant was reported with a second TRMU variant in an individual with infantile liver failure (Vogel et al. 2023. PubMed ID: 36305855). This variant is reported in 0.0054% of alleles in individuals of European (Non-Finnish) descent in gnomAD. Frameshift variants in TRMU are expected to be pathogenic. This variant is interpreted as pathogenic.

Blueprint Genetics
Classification: Likely pathogenic for TRMU-related disorders. Last evaluated: 2024-02-29. Review status: criteria provided, single submitter. Criteria: ACMG Guidelines, 2015. Collection method: clinical testing. Allele origin: germline. Affected: yes. Observed: 5 variant alleles.

Baylor Genetics
Classification: Likely pathogenic for Aminoglycoside-induced deafness. Last evaluated: 2024-02-19. Review status: criteria provided, single submitter. Criteria: ACMG Guidelines, 2015. Collection method: clinical testing. Allele origin: unknown.

Labcorp Genetics (formerly Invitae), Labcorp
Classification: Pathogenic. Last evaluated: 2023-11-20. Review status: criteria provided, single submitter. Criteria: Invitae Variant Classification Sherloc (09022015). Collection method: clinical testing. Allele origin: germline.
Comment: This sequence change creates a premature translational stop signal (p.Gly194Aspfs*2) in the TRMU gene. It is expected to result in an absent or disrupted protein product. Loss-of-function variants in TRMU are known to be pathogenic (PMID: 19732863, 23625533). This variant is present in population databases (rs763926467, gnomAD 0.006%). This variant has not been reported in the literature in individuals affected with TRMU-related conditions. ClinVar contains an entry for this variant (Variation ID: 862828). For these reasons, this variant has been classified as Pathogenic.

Literature cited by the submitters: PubMed 19732863 (cited by Labcorp Genetics (formerly Invitae), Labcorp); PubMed 23625533 (cited by Labcorp Genetics (formerly Invitae), Labcorp).